The following is an entry in ClinVar:

NM_000264.5(PTCH1):c.489_490insTA (p.Glu164Ter)

Gene: PTCH1 (patched 1; minus strand). Cytogenetic location: 9q22.32.
Variant type: Insertion.
Coding change: c.489_490insTA on transcript NM_000264.5 (MANE Select); coding-DNA positions 489 to 490, TA inserted.
Protein change: p.Glu164Ter; replaces glutamic acid 164 with a stop codon.
Molecular consequence: nonsense. On other transcripts: non-coding transcript variant (1).
Genome position: GRCh38 VCF-style: chr9-95485779-C-CTA. GRCh37 (hg19) VCF-style: chr9-98248061-C-CTA.
Other names: c.36_37insTA, p.Glu13Ter (NM_001083607.3, NM_001083604.3, NM_001083605.3 and 1 more transcripts); c.489_490insTA, p.Glu164Ter (NM_001354918.2); c.291_292insTA, p.Glu98Ter (NM_001354919.2, NM_001083602.3); c.486_487insTA, p.Glu163Ter (NM_001083603.3); short protein forms E163*, E164*, E98*, E13*.
Identifiers: ClinVar variation 423140 (VCV000423140.2), dbSNP rs1064796259, ClinGen allele CA16618914.

ClinVar aggregate classification (germline): Pathogenic (1 of 4 stars; one submission).

Submission:

GeneDx
Classification: Pathogenic. Last evaluated: 2017-01-24. Review status: criteria provided, single submitter. Criteria: GeneDx Variant Classification (06012015). Collection method: clinical testing. Allele origin: germline. Affected: yes.
Comment: This variant is denoted PTCH1 c.489_490insTA at the cDNA level and p.Glu164Ter (E164X) at the protein level. This insertion creates a nonsense variant, which changes a Glutamic Acid to a premature stop codon (GAA>TAG), and is predicted to cause loss of normal protein function through either protein truncation or nonsense-mediated mRNA decay. Although this variant has not, to our knowledge, been reported in the literature, it is considered pathogenic.